The following is an entry in ClinVar:

NC_000002.11:g.(?_203383525)_(203407190_?)dup

Gene: BMPR2 (bone morphogenetic protein receptor type 2; plus strand). Cytogenetic location: 2q33.2.
Variant type: Duplication.
Identifiers: ClinVar variation 3247141 (VCV003247141.1).

ClinVar aggregate classification (germline): Uncertain significance (1 of 4 stars; one submission).

Conditions:
Primary pulmonary hypertension. Also called: Idiopathic pulmonary hypertension. Identifiers: MedGen C0152171.

Submission:

Labcorp Genetics (formerly Invitae), Labcorp
Classification: Uncertain significance for Primary pulmonary hypertension. Last evaluated: 2023-11-28. Review status: criteria provided, single submitter. Criteria: Invitae Variant Classification Sherloc (09022015). Collection method: clinical testing. Allele origin: unknown.
Comment: This variant results in a copy number gain of the genomic region encompassing exon(s) 6-10 of the BMPR2 gene. While the exact position of this variant cannot be determined from the data, sub-genic copy number gains are generally in tandem (PMID: 25640679). This variant is predicted to be in-frame, and likely preserves the integrity of the reading frame. This variant has not been reported in the literature in individuals affected with BMPR2-related conditions. Experimental studies and prediction algorithms are not available or were not evaluated, and the functional significance of this variant is currently unknown. In summary, the available evidence is currently insufficient to determine the role of this variant in disease. Therefore, it has been classified as a Variant of Uncertain Significance.

Literature cited by the submitters: PubMed 25640679.